The following is an entry in ClinVar:

NM_014283.5(SUCO):c.1819C>A (p.Pro607Thr)

Gene: SUCO (SUN domain containing ossification factor; plus strand). Cytogenetic location: 1q24.3.
Variant type: single nucleotide variant.
Coding change: c.1819C>A on transcript NM_014283.5 (MANE Select); coding-DNA position 1819, C replaced by A.
Protein change: p.Pro607Thr; replaces proline 607 with threonine.
Molecular consequence: missense variant.
Genome position (GRCh38, 1-based): chr1:172,588,920, C>A. VCF-style: chr1-172588920-C-A. GRCh37 (hg19) VCF-style: chr1-172558060-C-A.
Other names: c.1708C>A, p.Pro570Thr (NM_001282750.2); c.130C>A, p.Pro44Thr (NM_001282751.2); c.2272C>A, p.Pro758Thr (NM_016227.4); short protein forms P570T, P607T, P44T, P758T.
Identifiers: ClinVar variation 2752098 (VCV002752098.3), dbSNP rs146880136, ClinGen allele CA1246970.

ClinVar aggregate classification (germline): Uncertain significance (1 of 4 stars; one submission).

Allele frequency attached by ClinVar (database versions not stated): ESP Exome Variant Server 0.00046; 1000 Genomes Project 30x 0.00047; 1000 Genomes Project 0.00060.
gnomAD v4.1: 95 of 1,612,606 alleles (0.0059%); highest among the groups gnomAD compares: African/African-American, 0.11%; no homozygotes.

Submission:

Labcorp Genetics (formerly Invitae), Labcorp
Classification: Uncertain significance. Last evaluated: 2025-11-22. Review status: criteria provided, single submitter. Criteria: Invitae Variant Classification Sherloc (09022015). Collection method: clinical testing. Allele origin: germline.
Comment: This sequence change replaces proline, which is neutral and non-polar, with threonine, which is neutral and polar, at codon 607 of the SUCO protein (p.Pro607Thr). This variant is present in population databases (rs146880136, gnomAD 0.1%), and has an allele count higher than expected for a pathogenic variant. This variant has not been reported in the literature in individuals affected with SUCO-related conditions. ClinVar contains an entry for this variant (Variation ID: 2752098). An algorithm developed to predict the effect of missense changes on protein structure and function (PolyPhen-2) suggests that this variant is likely to be tolerated. In summary, the available evidence is currently insufficient to determine the role of this variant in disease. Therefore, it has been classified as a Variant of Uncertain Significance.